The following is an entry in ClinVar:

ClinVar aggregate classification (germline): Benign/Likely benign. Review status: criteria provided, multiple submitters, no conflicts (2 of 4 stars). 5 submissions from 5 submitters: Benign (1); Likely benign (3). 1 of the submissions does not count toward it. Last evaluated 2026-01-27.

Conditions:
NEB-related disorder. Also called: NEB-related condition; NEB-Related Disorders.
Nemaline myopathy 2 (NEM2). Also called: Nemaline myopathy 2, autosomal recessive. Identifiers: MedGen C1850569, MONDO:0009725, OMIM 256030.

Allele frequency attached by ClinVar (database versions not stated): TOPMed 0.00002; gnomAD 0.00013 and 0.00001; gnomAD exomes 0.00017 and 0.00034; ExAC 0.00039; 1000 Genomes Project 0.00040; 1000 Genomes Project 30x 0.00047.
gnomAD v4.1: 266 of 1,613,024 alleles (0.016%); highest among the groups gnomAD compares: South Asian, 0.27%; 1 homozygote.

Submissions (5):

Labcorp Genetics (formerly Invitae), Labcorp
Classification: Benign for Nemaline myopathy 2. Last evaluated: 2026-01-27. Review status: criteria provided, single submitter. Criteria: Invitae Variant Classification Sherloc (09022015). Collection method: clinical testing. Allele origin: germline.

Mayo Clinic Laboratories, Mayo Clinic
Classification: Likely benign. Last evaluated: 2025-10-12. Review status: criteria provided, single submitter. Criteria: ACMG Guidelines, 2015. Collection method: clinical testing. Allele origin: germline. Observed: 1 variant allele.
Comment: BP4, BP7

PreventionGenetics, part of Exact Sciences
Classification: Likely benign for NEB-related condition. Last evaluated: 2025-05-13. Review status: criteria provided, single submitter. Criteria: ACMG Guidelines, 2015. Collection method: clinical testing. Allele origin: germline.
Comment: This variant is classified as likely benign based on ACMG/AMP sequence variant interpretation guidelines (Richards et al. 2015 PMID: 25741868, with internal and published modifications).

Blueprint Genetics
Classification: Likely benign. Last evaluated: 2024-09-04. Review status: criteria provided, single submitter. Criteria: ACMG Guidelines, 2015. Collection method: clinical testing. Allele origin: germline.

Natera, Inc.
Classification: Likely benign for Nemaline myopathy type 2. Last evaluated: 2020-04-28. Review status: no assertion criteria provided. Collection method: clinical testing. Allele origin: germline. Not counted in ClinVar's aggregate classification.

NM_001164508.2(NEB):c.18531C>T (p.Arg6177=)

Gene: NEB (nebulin; minus strand). Cytogenetic location: 2q23.3.
Variant type: single nucleotide variant.
Coding change: c.18531C>T on transcript NM_001164508.2 (MANE Select); coding-DNA position 18531, C replaced by T.
Protein change: p.Arg6177=; no amino-acid change (arginine 6177 retained).
Molecular consequence: synonymous variant.
Genome position (GRCh38, 1-based): chr2:151,563,871, G>A on the plus strand (C>T on the coding strand, the complement: NEB is on the minus strand). VCF-style: chr2-151563871-G-A. GRCh37 (hg19) VCF-style: chr2-152420385-G-A.
Other names: p.Arg6177=; c.18531C>T, p.Arg6177= (NM_001164507.2, NM_001271208.2); c.13428C>T, p.Arg4476= (NM_004543.5).
Identifiers: ClinVar variation 711280 (VCV000711280.16), dbSNP rs541088387, ClinGen allele CA1907935.